The following is an entry in ClinVar:

NM_017780.4(CHD7):c.2197C>G (p.Pro733Ala)

Gene: CHD7 (chromodomain helicase DNA binding protein 7; plus strand). Cytogenetic location: 8q12.2.
Variant type: single nucleotide variant.
Coding change: c.2197C>G on transcript NM_017780.4 (MANE Select); coding-DNA position 2197, C replaced by G.
Protein change: p.Pro733Ala; replaces proline 733 with alanine.
Molecular consequence: missense variant. On other transcripts: intron variant (1).
Genome position (GRCh38, 1-based): chr8:60,795,086, C>G. VCF-style: chr8-60795086-C-G. GRCh37 (hg19) VCF-style: chr8-61707645-C-G.
Other names: c.1716+14036C>G (NM_001316690.1); short protein forms P733A.
Identifiers: ClinVar variation 3365523 (VCV003365523.3).

ClinVar aggregate classification (germline): Uncertain significance. Review status: criteria provided, multiple submitters, no conflicts (2 of 4 stars). 2 submissions from 2 submitters: Uncertain significance (2). Last evaluated 2025-11-12.

gnomAD v4.1: 4 of 1,613,728 alleles (0.00025%); highest among the groups gnomAD compares: Non-Finnish European, 0.00034%; no homozygotes.

Submissions (2):

Dasa
Classification: Uncertain significance. Last evaluated: 2025-11-12. Review status: criteria provided, single submitter. Criteria: DASA Assertion Criteria. Collection method: clinical testing. Allele origin: germline.
Comment: NM_017780.4(CHD7):c.2197C>G (p.Pro733Ala) is a missense variant that results in the substitution of proline with alanine. This variant is rare in population databases. The currently available literature and clinical evidence are not sufficient to establish a definitive association between this variant and the reported condition. Therefore, this variant is classified as a variant of uncertain significance.

GeneDx
Classification: Uncertain significance. Last evaluated: 2023-12-13. Review status: criteria provided, single submitter. Criteria: GeneDx Variant Classification Process June 2021. Collection method: clinical testing. Allele origin: germline. Affected: yes.
Comment: Not observed at significant frequency in large population cohorts (gnomAD); In silico analysis supports that this missense variant does not alter protein structure/function; Has not been previously published as pathogenic or benign to our knowledge